The following is an entry in ClinVar:

ClinVar aggregate classification (germline): Uncertain significance. Review status: criteria provided, multiple submitters, no conflicts (2 of 4 stars). 2 submissions from 2 submitters: Uncertain significance (2). Last evaluated 2025-05-26.

Submissions (2):

Labcorp Genetics (formerly Invitae), Labcorp
Classification: Uncertain significance. Last evaluated: 2025-05-26. Review status: criteria provided, single submitter. Criteria: Invitae Variant Classification Sherloc (09022015). Collection method: clinical testing. Allele origin: germline.
Comment: This sequence change replaces proline, which is neutral and non-polar, with serine, which is neutral and polar, at codon 190 of the NLRP1 protein (p.Pro190Ser). This variant is not present in population databases (gnomAD no frequency). This variant has not been reported in the literature in individuals affected with NLRP1-related conditions. ClinVar contains an entry for this variant (Variation ID: 1320523). An algorithm developed to predict the effect of missense changes on protein structure and function outputs the following: PolyPhen-2: "Benign". The serine amino acid residue is found in multiple mammalian species, which suggests that this missense change does not adversely affect protein function. In summary, the available evidence is currently insufficient to determine the role of this variant in disease. Therefore, it has been classified as a Variant of Uncertain Significance.

GeneDx
Classification: Uncertain significance. Last evaluated: 2019-03-27. Review status: criteria provided, single submitter. Criteria: GeneDx Variant Classification Process June 2021. Collection method: clinical testing. Allele origin: germline. Affected: yes.
Comment: Not observed in large population cohorts (Lek et al., 2016); In silico analysis, which includes protein predictors and evolutionary conservation, supports that this variant does not alter protein structure/function; Has not been previously published as pathogenic or benign to our knowledge

NM_033004.4(NLRP1):c.568C>T (p.Pro190Ser)

Gene: NLRP1 (NLR family pyrin domain containing 1; minus strand). Cytogenetic location: 17p13.2.
Variant type: single nucleotide variant.
Coding change: c.568C>T on transcript NM_033004.4 (MANE Select); coding-DNA position 568, C replaced by T.
Protein change: p.Pro190Ser; replaces proline 190 with serine.
Molecular consequence: missense variant.
Genome position (GRCh38, 1-based): chr17:5,581,943, G>A on the plus strand (C>T on the coding strand, the complement: NLRP1 is on the minus strand). VCF-style: chr17-5581943-G-A. GRCh37 (hg19) VCF-style: chr17-5485263-G-A.
Other names: c.568C>T, p.Pro190Ser (NM_001033053.3, NM_014922.5, NM_033006.4 and 1 more transcripts); short protein forms P190S.
Identifiers: ClinVar variation 1320523 (VCV001320523.3), dbSNP rs1905705901, ClinGen allele CA397389701.